The following is an entry in ClinVar:

NC_000001.10:g.(?_237655086)_(237995947_?)dup

Gene: RYR2 (ryanodine receptor 2; plus strand). Cytogenetic location: 1q43.
Variant type: Duplication.
Identifiers: ClinVar variation 3247734 (VCV003247734.1).

ClinVar aggregate classification (germline): Uncertain significance (1 of 4 stars; one submission).

Conditions:
Catecholaminergic polymorphic ventricular tachycardia 1. Also called: RYR2-Related Catecholaminergic Polymorphic Ventricular Tachycardia; VENTRICULAR TACHYCARDIA, CATECHOLAMINERGIC POLYMORPHIC, 1, WITH OR WITHOUT ATRIAL DYSFUNCTION AND/OR DILATED CARDIOMYOPATHY; VENTRICULAR TACHYCARDIA, STRESS-INDUCED POLYMORPHIC 1. Identifiers: Orphanet 3286, MedGen C1631597, MONDO:0011484, OMIM 604772.

Submission:

Labcorp Genetics (formerly Invitae), Labcorp
Classification: Uncertain significance for Catecholaminergic polymorphic ventricular tachycardia 1. Last evaluated: 2023-11-02. Review status: criteria provided, single submitter. Criteria: Invitae Variant Classification Sherloc (09022015). Collection method: clinical testing. Allele origin: unknown.
Comment: This variant results in a copy number gain of the genomic region encompassing exon(s) 18-105 of the RYR2 gene. This region includes the termination codon of the gene. This copy number gain extends beyond the assayed region for this gene and therefore may encompass additional genes. As the precise location of this event is unknown, it may be in tandem or it may be located elsewhere in the genome. This variant has not been reported in the literature in individuals affected with RYR2-related conditions. In summary, the available evidence is currently insufficient to determine the role of this variant in disease. Therefore, it has been classified as a Variant of Uncertain Significance.